The following is an entry in ClinVar:

ClinVar aggregate classification (germline): Conflicting classifications of pathogenicity. Review status: criteria provided, conflicting classifications (1 of 4 stars). 9 submissions from 8 submitters: Uncertain significance (4); Likely benign (4). 1 of the submissions does not count toward it. Last evaluated 2026-01-28.

Conditions:
CDH23-related disorder. Also called: CDH23-related condition; CDH23-related disorders.
Usher syndrome type 1 (USH1). Also called: RETINITIS PIGMENTOSA AND CONGENITAL DEAFNESS. Identifiers: Orphanet 231169, Orphanet 886, MedGen C1568247, MONDO:0010168, OMIM 276900.
Usher syndrome type 1D (USH1D). Also called: USHER SYNDROME, TYPE ID. Identifiers: Orphanet 231169, Orphanet 886, MedGen C1832845, MONDO:0010984, OMIM 601067.
Autosomal recessive nonsyndromic hearing loss 12. Also called: DEAFNESS, AUTOSOMAL RECESSIVE 12. Identifiers: Orphanet 90636, MedGen C1832394, MONDO:0011067, OMIM 601386.

Allele frequency attached by ClinVar (database versions not stated): ESP Exome Variant Server 0.00008; gnomAD 0.00013; gnomAD exomes 0.00014; TOPMed 0.00014; ExAC 0.00015.
gnomAD v4.1: 273 of 1,613,566 alleles (0.017%); highest among the groups gnomAD compares: Non-Finnish European, 0.023%; no homozygotes.

Submissions (9):

Labcorp Genetics (formerly Invitae), Labcorp
Classification: Likely benign. Last evaluated: 2026-01-28. Review status: criteria provided, single submitter. Criteria: Invitae Variant Classification Sherloc (09022015). Collection method: clinical testing. Allele origin: germline.

CeGaT Center for Human Genetics Tuebingen
Classification: Likely benign. Last evaluated: 2025-09-01. Review status: criteria provided, single submitter. Criteria: CeGaT Center For Human Genetics Tuebingen Variant Classification Criteria Version 2. Collection method: clinical testing. Allele origin: germline. Affected: yes. Observed: 6 variant alleles.
Comment: CDH23: BP4, BP7

PreventionGenetics, part of Exact Sciences
Classification: Likely benign for CDH23-related condition. Last evaluated: 2025-01-04. Review status: criteria provided, single submitter. Criteria: ACMG Guidelines, 2015. Collection method: clinical testing. Allele origin: germline.
Comment: This variant is classified as likely benign based on ACMG/AMP sequence variant interpretation guidelines (Richards et al. 2015 PMID: 25741868, with internal and published modifications).

Blueprint Genetics
Classification: Uncertain significance. Last evaluated: 2024-08-08. Review status: criteria provided, single submitter. Criteria: ACMG Guidelines, 2015. Collection method: clinical testing. Allele origin: germline.

Illumina Laboratory Services, Illumina
Classification: Uncertain significance for Autosomal recessive nonsyndromic hearing loss 12. Last evaluated: 2018-01-12. Review status: criteria provided, single submitter. Criteria: ICSL Variant Classification Criteria 13 December 2019. Collection method: clinical testing. Allele origin: germline.

Illumina Laboratory Services, Illumina
Classification: Uncertain significance for Usher syndrome type 1D. Last evaluated: 2018-01-12. Review status: criteria provided, single submitter. Criteria: ICSL Variant Classification Criteria 13 December 2019. Collection method: clinical testing. Allele origin: germline.

Laboratory for Molecular Medicine, Mass General Brigham Personalized Medicine
Classification: Likely benign. Last evaluated: 2015-07-02. Review status: criteria provided, single submitter. Criteria: LMM Criteria. Collection method: clinical testing. Allele origin: germline. Observed: 2 variant alleles.
Comment: p.Val601Val in Exon 17 of CDH23: This variant is not expected to have clinical s ignificance because it does not alter an amino acid residue, is not located with in the splice consensus sequence, and has been identified in 16/60014 European c hromosomes by the Exome Aggregation Consortium (ExAC .org; dbSNP rs201024982).

Eurofins Ntd Llc (ga)
Classification: Uncertain significance. Last evaluated: 2015-02-11. Review status: criteria provided, single submitter. Criteria: EGL Classification Definitions 2015. Collection method: clinical testing. Allele origin: germline. Observed: 1 variant allele, 1 heterozygote.

Natera, Inc.
Classification: Uncertain significance for Usher syndrome type 1. Last evaluated: 2020-01-10. Review status: no assertion criteria provided. Collection method: clinical testing. Allele origin: germline. Not counted in ClinVar's aggregate classification.

NM_022124.6(CDH23):c.1803C>G (p.Val601=)

Gene: CDH23 (cadherin related 23; plus strand). Cytogenetic location: 10q22.1.
Variant type: single nucleotide variant.
Coding change: c.1803C>G on transcript NM_022124.6 (MANE Select); coding-DNA position 1803, C replaced by G.
Protein change: p.Val601=; no amino-acid change (valine 601 retained).
Molecular consequence: synonymous variant.
Genome position (GRCh38, 1-based): chr10:71,679,437, C>G. VCF-style: chr10-71679437-C-G. GRCh37 (hg19) VCF-style: chr10-73439194-C-G.
Other names: c.1803C>G, p.Val601= (NM_001171930.2, NM_001171931.2).
Identifiers: ClinVar variation 194784 (VCV000194784.66), dbSNP rs201024982, ClinGen allele CA240955.